The following is an entry in ClinVar:

ClinVar aggregate classification (germline): Likely pathogenic (1 of 4 stars; one submission).

Conditions:
Pseudohypoaldosteronism, type IB1, autosomal recessive. Also called: Pseudohypoaldosteronism, Type I, Autosomal Recessive; PHA I, AUTOSOMAL RECESSIVE; Autosomal recessive pseudohypoaldosteronism type 1; Pseudohypoaldosteronism, Type I, Recessive. Identifiers: Orphanet 171876, Orphanet 756, MedGen C5774176, MONDO:0009917, OMIM 264350.

Submission:

Juno Genomics, Hangzhou Juno Genomics, Inc
Classification: Likely pathogenic for Pseudohypoaldosteronism, type IB1, autosomal recessive. Review status: criteria provided, single submitter. Criteria: ACMG Guidelines, 2015. Collection method: clinical testing. Allele origin: germline.
Comment: Null variant in a gene where loss of function (LOF) is a known mechanism of disease.;Absent from controls (or at extremely low frequency if recessive) in Genome Aggregation Database.

NM_001038.6(SCNN1A):c.674_684+27del

Gene: SCNN1A (sodium channel epithelial 1 subunit alpha; minus strand). Cytogenetic location: 12p13.31.
Variant type: Deletion.
Coding change: c.674_684+27del on transcript NM_001038.6 (MANE Select); coding-DNA position 674 through 27 bases into the intron after coding-DNA position 684, 38 bases deleted.
Molecular consequence: splice donor variant.
Genome position (GRCh38, 1-based): chr12:6,363,416-6,363,453, 38 bases deleted; deleting any 38 consecutive bases within chr12:6,363,416-6,363,455 gives the same sequence; the c. name uses the placement nearest the transcript's 3' end. GRCh37 (hg19): chr12:6,472,584-6,472,621.
Other names: c.743_753+27del (NM_001159575.2); c.851_861+27del (NM_001159576.2).
Identifiers: ClinVar variation 5005149 (VCV005005149.2).